The following is an entry in ClinVar:

ClinVar aggregate classification (germline): Uncertain significance (1 of 4 stars; one submission).

Allele frequency attached by ClinVar (database versions not stated): TOPMed below 0.00001; gnomAD exomes below 0.00001.
gnomAD v4.1: 1 of 1,613,562 alleles (0.000062%); highest among the groups gnomAD compares: Non-Finnish European, 0.000085%; no homozygotes.

Submission:

Labcorp Genetics (formerly Invitae), Labcorp
Classification: Uncertain significance. Last evaluated: 2022-08-16. Review status: criteria provided, single submitter. Criteria: Invitae Variant Classification Sherloc (09022015). Collection method: clinical testing. Allele origin: germline.
Comment: This sequence change replaces threonine, which is neutral and polar, with isoleucine, which is neutral and non-polar, at codon 1030 of the ABCA1 protein (p.Thr1030Ile). This variant is present in population databases (no rsID available, gnomAD 0.0009%). This variant has not been reported in the literature in individuals affected with ABCA1-related conditions. Advanced modeling of protein sequence and biophysical properties (such as structural, functional, and spatial information, amino acid conservation, physicochemical variation, residue mobility, and thermodynamic stability) performed at Invitae indicates that this missense variant is not expected to disrupt ABCA1 protein function. In summary, the available evidence is currently insufficient to determine the role of this variant in disease. Therefore, it has been classified as a Variant of Uncertain Significance.

NM_005502.4(ABCA1):c.3089C>T (p.Thr1030Ile)

Gene: ABCA1 (ATP binding cassette subfamily A member 1; minus strand). Cytogenetic location: 9q31.1.
Variant type: single nucleotide variant.
Coding change: c.3089C>T on transcript NM_005502.4 (MANE Select); coding-DNA position 3089, C replaced by T.
Protein change: p.Thr1030Ile; replaces threonine 1030 with isoleucine.
Molecular consequence: missense variant.
Genome position (GRCh38, 1-based): chr9:104,819,941, G>A on the plus strand (C>T on the coding strand, the complement: ABCA1 is on the minus strand). VCF-style: chr9-104819941-G-A. GRCh37 (hg19) VCF-style: chr9-107582222-G-A.
Other names: short protein forms T1030I.
Identifiers: ClinVar variation 1929019 (VCV001929019.2), dbSNP rs1415424191, ClinGen allele CA374319499.